The following is an entry in ClinVar:

ClinVar aggregate classification (germline): Uncertain significance (1 of 4 stars; one submission).

Conditions:
LAMA2-related muscular dystrophy (LAMA2-RD). Also called: Laminin alpha 2-related dystrophy. Identifiers: MedGen C5679788, MONDO:0100228.

Allele frequency attached by ClinVar (database versions not stated): gnomAD 0.00001; gnomAD exomes 0.00001; TOPMed 0.00001.

Submission:

Labcorp Genetics (formerly Invitae), Labcorp
Classification: Uncertain significance for LAMA2-related muscular dystrophy. Last evaluated: 2022-06-20. Review status: criteria provided, single submitter. Criteria: Invitae Variant Classification Sherloc (09022015). Collection method: clinical testing. Allele origin: germline.
Comment: This sequence change replaces glutamic acid, which is acidic and polar, with glycine, which is neutral and non-polar, at codon 1191 of the LAMA2 protein (p.Glu1191Gly). This variant is not present in population databases (gnomAD no frequency). This variant has not been reported in the literature in individuals affected with LAMA2-related conditions. Advanced modeling of protein sequence and biophysical properties (such as structural, functional, and spatial information, amino acid conservation, physicochemical variation, residue mobility, and thermodynamic stability) performed at Invitae indicates that this missense variant is not expected to disrupt LAMA2 protein function. In summary, the available evidence is currently insufficient to determine the role of this variant in disease. Therefore, it has been classified as a Variant of Uncertain Significance.

NM_000426.4(LAMA2):c.3572A>G (p.Glu1191Gly)

Gene: LAMA2 (laminin subunit alpha 2; plus strand). Cytogenetic location: 6q22.33.
Variant type: single nucleotide variant.
Coding change: c.3572A>G on transcript NM_000426.4 (MANE Select); coding-DNA position 3572, A replaced by G.
Protein change: p.Glu1191Gly; replaces glutamic acid 1191 with glycine.
Molecular consequence: missense variant.
Genome position (GRCh38, 1-based): chr6:129,315,492, A>G. VCF-style: chr6-129315492-A-G. GRCh37 (hg19) VCF-style: chr6-129636637-A-G.
Other names: c.3572A>G, p.Glu1191Gly (NM_001079823.2); short protein forms E1191G.
Identifiers: ClinVar variation 1481206 (VCV001481206.5), dbSNP rs1305192006, ClinGen allele CA365612631.